The following is an entry in ClinVar:

NM_015559.3(SETBP1):c.3947C>A (p.Ala1316Asp)

Gene: SETBP1 (SET binding protein 1; plus strand). Cytogenetic location: 18q12.3.
Variant type: single nucleotide variant.
Coding change: c.3947C>A on transcript NM_015559.3 (MANE Select); coding-DNA position 3947, C replaced by A.
Protein change: p.Ala1316Asp; replaces alanine 1316 with aspartic acid.
Molecular consequence: missense variant.
Genome position (GRCh38, 1-based): chr18:44,953,287, C>A. VCF-style: chr18-44953287-C-A. GRCh37 (hg19) VCF-style: chr18-42533252-C-A.
Other names: c.3947C>A, p.Ala1316Asp (NM_001379141.1, NM_001379142.1, NM_001410862.1); short protein forms A1316D.
Identifiers: ClinVar variation 2957547 (VCV002957547.3), dbSNP rs900371122, ClinGen allele CA299699990.

ClinVar aggregate classification (germline): Uncertain significance (1 of 4 stars; one submission).

gnomAD v4.1: 6 of 1,613,942 alleles (0.00037%); highest among the groups gnomAD compares: African/African-American, 0.0053%; no homozygotes.

Submission:

Labcorp Genetics (formerly Invitae), Labcorp
Classification: Uncertain significance. Last evaluated: 2024-02-03. Review status: criteria provided, single submitter. Criteria: Invitae Variant Classification Sherloc (09022015). Collection method: clinical testing. Allele origin: germline.
Comment: This sequence change replaces alanine, which is neutral and non-polar, with aspartic acid, which is acidic and polar, at codon 1316 of the SETBP1 protein (p.Ala1316Asp). This variant is not present in population databases (gnomAD no frequency). This variant has not been reported in the literature in individuals affected with SETBP1-related conditions. Advanced modeling of protein sequence and biophysical properties (such as structural, functional, and spatial information, amino acid conservation, physicochemical variation, residue mobility, and thermodynamic stability) performed at Invitae indicates that this missense variant is not expected to disrupt SETBP1 protein function with a negative predictive value of 80%. In summary, the available evidence is currently insufficient to determine the role of this variant in disease. Therefore, it has been classified as a Variant of Uncertain Significance.